The following is an entry in ClinVar:

NM_001470.4(GABBR1):c.665C>T (p.Pro222Leu)

Gene: GABBR1 (gamma-aminobutyric acid type B receptor subunit 1; minus strand). Cytogenetic location: 6p22.1.
Variant type: single nucleotide variant.
Coding change: c.665C>T on transcript NM_001470.4 (MANE Select); coding-DNA position 665, C replaced by T.
Protein change: p.Pro222Leu; replaces proline 222 with leucine.
Molecular consequence: missense variant.
Genome position (GRCh38, 1-based): chr6:29,624,017, G>A on the plus strand (C>T on the coding strand, the complement: GABBR1 is on the minus strand). VCF-style: chr6-29624017-G-A. GRCh37 (hg19) VCF-style: chr6-29591794-G-A.
Other names: c.134C>T, p.Pro45Leu (NM_001319053.2); c.314C>T, p.Pro105Leu (NM_021903.3); c.479C>T, p.Pro160Leu (NM_021904.4); short protein forms P105L, P160L, P222L, P45L.
Identifiers: ClinVar variation 4072280 (VCV004072280.2).

ClinVar aggregate classification (germline): Conflicting classifications of pathogenicity. Review status: criteria provided, conflicting classifications (1 of 4 stars). 2 submissions from 2 submitters: Likely pathogenic (1); Uncertain significance (1). Last evaluated 2025-03-04.

Conditions:
Neurodevelopmental disorder with language delay and variable cognitive abnormalities (NEDLC). Identifiers: MedGen C5882689, MONDO:0957779, OMIM 620502.

Submissions (2):

Clinical Genetics and Genomics, Karolinska University Hospital
Classification: Likely pathogenic for Neurodevelopmental disorder with language delay and variable cognitive abnormalities. Last evaluated: 2025-03-04. Review status: criteria provided, single submitter. Criteria: ACMG Guidelines, 2015. Collection method: clinical testing. Allele origin: de novo. Inheritance: Autosomal dominant inheritance. Affected: yes.

3billion
Classification: Uncertain significance for Neurodevelopmental disorder with language delay and variable cognitive abnormalities. Last evaluated: 2024-07-10. Review status: criteria provided, single submitter. Criteria: ACMG Guidelines, 2015. Collection method: clinical testing. Allele origin: germline. Affected: yes.
Comment: The variant is not observed in the gnomAD v4.0.0 dataset. Predicted Consequence/Location: Missense changes are a common disease-causing mechanism. In silico tool predictions suggest damaging effect of the variant on gene or gene product [REVEL: 0.83 (>=0.6, sensitivity 0.68 and specificity 0.92)]. Therefore, this variant is classified as VUS according to the recommendation of ACMG/AMP guideline.